The following is an entry in ClinVar:

NM_172107.4(KCNQ2):c.2209G>A (p.Gly737Ser)

Gene: KCNQ2 (potassium voltage-gated channel subfamily Q member 2; minus strand). Cytogenetic location: 20q13.33.
Variant type: single nucleotide variant.
Coding change: c.2209G>A on transcript NM_172107.4 (MANE Select); coding-DNA position 2209, G replaced by A.
Protein change: p.Gly737Ser; replaces glycine 737 with serine.
Molecular consequence: missense variant.
Genome position (GRCh38, 1-based): chr20:63,407,054, C>T on the plus strand (G>A on the coding strand, the complement: KCNQ2 is on the minus strand). VCF-style: chr20-63407054-C-T. GRCh37 (hg19) VCF-style: chr20-62038407-C-T.
Other names: c.2125G>A, p.Gly709Ser (NM_004518.6); c.2155G>A, p.Gly719Ser (NM_172106.3); c.2116G>A, p.Gly706Ser (NM_172108.5); short protein forms G737S, G719S, G709S, G706S.
Identifiers: ClinVar variation 339330 (VCV000339330.15), dbSNP rs755013341, ClinGen allele CA9958124.

ClinVar aggregate classification (germline): Conflicting classifications of pathogenicity. Review status: criteria provided, conflicting classifications (1 of 4 stars). 2 submissions from 2 submitters: Uncertain significance (1); Likely benign (1). Last evaluated 2026-01-19.

Conditions:
Early-infantile DEE. Also called: Early infantile epileptic encephalopathy with suppression bursts; Early infantile epileptic encephalopathy; Ohtahara syndrome. Identifiers: Orphanet 1934, MedGen C0393706, MONDO:0800491.

Allele frequency attached by ClinVar (database versions not stated): ExAC below 0.00001; gnomAD 0.00001; gnomAD exomes 0.00001 and 0.00002; TOPMed 0.00002.
gnomAD v4.1: 12 of 1,519,934 alleles (0.00079%); highest among the groups gnomAD compares: Admixed American, 0.004%; no homozygotes.

Submissions (8):

Labcorp Genetics (formerly Invitae), Labcorp
Classification: Uncertain significance for Early-infantile DEE. Last evaluated: 2026-01-19. Review status: criteria provided, single submitter. Criteria: Invitae Variant Classification Sherloc (09022015). Collection method: clinical testing. Allele origin: germline.
Comment: This sequence change replaces glycine, which is neutral and non-polar, with serine, which is neutral and polar, at codon 737 of the KCNQ2 protein (p.Gly737Ser). This variant is present in population databases (rs755013341, gnomAD 0.009%). This variant has not been reported in the literature in individuals affected with KCNQ2-related conditions. ClinVar contains an entry for this variant (Variation ID: 339330). Invitae Evidence Modeling of protein sequence and biophysical properties (such as structural, functional, and spatial information, amino acid conservation, physicochemical variation, residue mobility, and thermodynamic stability) indicates that this missense variant is not expected to disrupt KCNQ2 protein function with a negative predictive value of 95%. Experimental studies are conflicting or provide insufficient evidence to determine the effect of this variant on KCNQ2 function (PMID: 35104249). In summary, the available evidence is currently insufficient to determine the role of this variant in disease. Therefore, it has been classified as a Variant of Uncertain Significance.

GeneDx
Classification: Likely benign. Last evaluated: 2020-09-03. Review status: criteria provided, single submitter. Criteria: GeneDx Variant Classification Process June 2021. Collection method: clinical testing. Allele origin: germline. Affected: yes.
Comment: Missense variants in this gene are often considered pathogenic (Stenson et al., 2014); In silico analysis supports that this missense variant does not alter protein structure/function; Has not been previously published as pathogenic or benign to our knowledge; This substitution is predicted to be within the C-terminal cytoplasmic domain (UniProt, Millichap JJ 2016 and Soldovieri 2007)

Channelopathy-Associated Epilepsy Research Center
No classification provided (evidence only). Condition: Complex neurodevelopmental disorder. Review status: no classification provided. Collection method: literature only. Allele origin: not applicable. Functional consequence: Mild decrease in peak current, Mild slowing of activation, Normal voltage dependence of activation. Not counted in ClinVar's aggregate classification.
ClinVar note: "not provided" was previously submitted as the classification for the variant. However, the classification appeared to be based only on an observation of functional data so it was converted to no classification on 2025-07-30.

Channelopathy-Associated Epilepsy Research Center
No classification provided (evidence only). Review status: no classification provided. Collection method: in vitro. Allele origin: not applicable. Functional consequence: Normal peak current. Not counted in ClinVar's aggregate classification.

Channelopathy-Associated Epilepsy Research Center
No classification provided (evidence only). Review status: no classification provided. Collection method: in vitro. Allele origin: not applicable. Functional consequence: Normal peak current. Not counted in ClinVar's aggregate classification.

Channelopathy-Associated Epilepsy Research Center
No classification provided (evidence only). Review status: no classification provided. Collection method: in vitro. Allele origin: not applicable. Functional consequence: Normal voltage dependence of activation. Not counted in ClinVar's aggregate classification.

Channelopathy-Associated Epilepsy Research Center
No classification provided (evidence only). Review status: no classification provided. Collection method: in vitro. Allele origin: not applicable. Functional consequence: Normal slope of activation. Not counted in ClinVar's aggregate classification.

Channelopathy-Associated Epilepsy Research Center
No classification provided (evidence only). Review status: no classification provided. Collection method: in vitro. Allele origin: not applicable. Functional consequence: Normal rate of activation. Not counted in ClinVar's aggregate classification.

Literature cited by the submitters: PubMed 35104249 (cited by Labcorp Genetics (formerly Invitae), Labcorp and Channelopathy-Associated Epilepsy Research Center).